The following is an entry in ClinVar:

ClinVar aggregate classification (germline): Conflicting classifications of pathogenicity. Review status: criteria provided, conflicting classifications (1 of 4 stars). 3 submissions from 3 submitters: Uncertain significance (2); Benign (1). Last evaluated 2023-04-01.

Conditions:
Cutis laxa with osteodystrophy (ARCL2A). Also called: CUTIS LAXA, AUTOSOMAL RECESSIVE, TYPE IIA; Debré-Type Cutis Laxa; CUTIS LAXA WITH CONGENITAL DISORDER OF GLYCOSYLATION; Autosomal recessive cutis laxa type 2A; CUTIS LAXA WITH BONE DYSTROPHY; CUTIS LAXA WITH GROWTH AND DEVELOPMENTAL DELAY. Identifiers: Orphanet 357058, MedGen C0268355, MONDO:0018163, OMIM 219200. Disease mechanism: loss of function.

Allele frequency attached by ClinVar (database versions not stated): 1000 Genomes Project 0.00359; 1000 Genomes Project 30x 0.00422; TOPMed 0.00840; gnomAD 0.00851.

Submissions (3):

CeGaT Center for Human Genetics Tuebingen
Classification: Benign. Last evaluated: 2023-04-01. Review status: criteria provided, single submitter. Criteria: CeGaT Center For Human Genetics Tuebingen Variant Classification Criteria Version 2. Collection method: clinical testing. Allele origin: germline. Affected: yes. Observed: 2 variant alleles.
Comment: ATP6V0A2: BS1, BS2

Illumina Laboratory Services, Illumina
Classification: Uncertain significance for Cutis laxa with osteodystrophy. Last evaluated: 2018-01-13. Review status: criteria provided, single submitter. Criteria: ICSL Variant Classification Criteria 13 December 2019. Collection method: clinical testing. Allele origin: germline.

Breakthrough Genomics
Classification: Uncertain significance. Review status: criteria provided, single submitter. Criteria: ACMG Guidelines, 2015. Collection method: not provided. Allele origin: germline. Inheritance: Autosomal recessive inheritance. Affected: yes.

NM_012463.4(ATP6V0A2):c.*2875A>C

Gene: ATP6V0A2 (ATPase H+ transporting V0 subunit a2; plus strand). Cytogenetic location: 12q24.31.
Variant type: single nucleotide variant.
Coding change: c.*2875A>C on transcript NM_012463.4 (MANE Select); 2875 bases downstream of the stop codon, A replaced by C.
Molecular consequence: 3 prime UTR variant.
Genome position (GRCh38, 1-based): chr12:123,760,907, A>C. VCF-style: chr12-123760907-A-C. GRCh37 (hg19) VCF-style: chr12-124245454-A-C.
Identifiers: ClinVar variation 880767 (VCV000880767.29), dbSNP rs149741581, ClinGen allele CA245167726.